The following is an entry in ClinVar:

ClinVar aggregate classification (germline): Uncertain significance (1 of 4 stars; one submission).

Conditions:
Primary ciliary dyskinesia. Also called: Ciliary dyskinesia. Identifiers: Orphanet 244, MedGen C0008780, MONDO:0016575, HP:0012265.

Allele frequency attached by ClinVar (database versions not stated): ExAC 0.00001.
gnomAD v4.1: 2 of 1,614,012 alleles (0.00012%); highest among the groups gnomAD compares: Non-Finnish European, 0.00017%; no homozygotes.

Submission:

Labcorp Genetics (formerly Invitae), Labcorp
Classification: Uncertain significance for Primary ciliary dyskinesia. Last evaluated: 2024-04-08. Review status: criteria provided, single submitter. Criteria: Invitae Variant Classification Sherloc (09022015). Collection method: clinical testing. Allele origin: germline.
Comment: This sequence change replaces arginine, which is basic and polar, with leucine, which is neutral and non-polar, at codon 163 of the CCNO protein (p.Arg163Leu). This variant is present in population databases (rs766335987, gnomAD 0.0009%). This variant has not been reported in the literature in individuals affected with CCNO-related conditions. ClinVar contains an entry for this variant (Variation ID: 2171384). Advanced modeling of protein sequence and biophysical properties (such as structural, functional, and spatial information, amino acid conservation, physicochemical variation, residue mobility, and thermodynamic stability) has been performed at Invitae for this missense variant, however the output from this modeling did not meet the statistical confidence thresholds required to predict the impact of this variant on CCNO protein function. In summary, the available evidence is currently insufficient to determine the role of this variant in disease. Therefore, it has been classified as a Variant of Uncertain Significance.

NM_021147.5(CCNO):c.488G>T (p.Arg163Leu)

Gene: CCNO (cyclin O; minus strand). Cytogenetic location: 5q11.2.
Variant type: single nucleotide variant.
Coding change: c.488G>T on transcript NM_021147.5 (MANE Select); coding-DNA position 488, G replaced by T.
Protein change: p.Arg163Leu; replaces arginine 163 with leucine.
Molecular consequence: missense variant. On other transcripts: non-coding transcript variant (3).
Genome position (GRCh38, 1-based): chr5:55,232,440, C>A on the plus strand (G>T on the coding strand, the complement: CCNO is on the minus strand). VCF-style: chr5-55232440-C-A. GRCh37 (hg19) VCF-style: chr5-54528268-C-A.
Other names: short protein forms R163L.
Identifiers: ClinVar variation 2171384 (VCV002171384.4), dbSNP rs766335987, ClinGen allele CA3266760.